The following is an entry in ClinVar:

NM_000231.3(SGCG):c.578+1G>C

Gene: SGCG (sarcoglycan gamma; plus strand). Cytogenetic location: 13q12.12.
Variant type: single nucleotide variant.
Coding change: c.578+1G>C on transcript NM_000231.3 (MANE Select); the canonical splice donor site of the intron after coding-DNA position 578, G replaced by C.
Molecular consequence: splice donor variant.
Genome position (GRCh38, 1-based): chr13:23,295,488, G>C. VCF-style: chr13-23295488-G-C. GRCh37 (hg19) VCF-style: chr13-23869627-G-C.
Other names: c.632+1G>C (NM_001378244.1); c.578+1G>C (NM_001378245.1, NM_001378246.1).
Identifiers: ClinVar variation 553878 (VCV000553878.15), dbSNP rs1555245353, ClinGen allele CA387504411.

ClinVar aggregate classification (germline): Likely pathogenic. Review status: criteria provided, multiple submitters, no conflicts (2 of 4 stars). 4 submissions from 4 submitters: Likely pathogenic (3). 1 of the submissions does not count toward it. Last evaluated 2025-09-09.

Conditions:
Autosomal recessive limb-girdle muscular dystrophy type 2C (LGMDR5). Also called: MUSCULAR DYSTROPHY, DUCHENNE-LIKE; MUSCULAR DYSTROPHY, LIMB-GIRDLE, AUTOSOMAL RECESSIVE 5. Identifiers: Orphanet 353, MedGen C0410173, MONDO:0009677, OMIM 253700. Disease mechanism: Affects gamma-sarcoglycan and also disrupts the integrity of the entire sarcoglycan complex..

Allele frequency attached by ClinVar (database versions not stated): TOPMed 0.00001.

Submissions (4):

Natera, Inc.
Classification: Likely pathogenic for Limb-girdle muscular dystrophy type 2C. Last evaluated: 2025-09-09. Review status: criteria provided, single submitter. Criteria: Natera Variant Classification Schema (03/2026). Collection method: clinical testing. Allele origin: germline.
Comment: The c.578+1G>C variant in SGCG is a canonical splice donor site variant predicted to affect pre-mRNA splicing, which may result in an abnormal transcript and altered protein product. This variant is expected to result in nonsense mediated decay, truncation, or a dysfunctional protein product. This variant is rare in the general population with a frequency below the threshold expected for the associated phenotype(s). Given the available evidence, this variant is classified as Likely Pathogenic.

Fulgent Genetics
Classification: Likely pathogenic for Autosomal recessive limb-girdle muscular dystrophy type 2C. Last evaluated: 2024-05-17. Review status: criteria provided, single submitter. Criteria: ACMG Guidelines, 2015. Collection method: clinical testing. Allele origin: germline.

Labcorp Genetics (formerly Invitae), Labcorp
Classification: Likely pathogenic for Autosomal recessive limb-girdle muscular dystrophy type 2C. Last evaluated: 2022-09-27. Review status: criteria provided, single submitter. Criteria: Invitae Variant Classification Sherloc (09022015). Collection method: clinical testing. Allele origin: germline.
Comment: This sequence change affects a donor splice site in intron 6 of the SGCG gene. It is expected to disrupt RNA splicing. Variants that disrupt the donor or acceptor splice site typically lead to a loss of protein function (PMID: 16199547), and loss-of-function variants in SGCG are known to be pathogenic (PMID: 18285821). This variant is not present in population databases (gnomAD no frequency). This variant has not been reported in the literature in individuals affected with SGCG-related conditions. ClinVar contains an entry for this variant (Variation ID: 553878). Algorithms developed to predict the effect of sequence changes on RNA splicing suggest that this variant may disrupt the consensus splice site. In summary, the currently available evidence indicates that the variant is pathogenic, but additional data are needed to prove that conclusively. Therefore, this variant has been classified as Likely Pathogenic.

Counsyl
Classification: Likely pathogenic for Autosomal recessive limb-girdle muscular dystrophy type 2C. Last evaluated: 2017-09-18. Review status: no assertion criteria provided. Collection method: clinical testing. Allele origin: unknown. Not counted in ClinVar's aggregate classification.

Literature cited by the submitters: PubMed 16199547 (cited by Labcorp Genetics (formerly Invitae), Labcorp); PubMed 18285821 (cited by Labcorp Genetics (formerly Invitae), Labcorp).